The following is an entry in ClinVar:

ClinVar aggregate classification (germline): Likely pathogenic (1 of 4 stars; one submission).

Conditions:
Groenouw corneal dystrophy type I (CDGG1). Also called: GRANULAR CORNEAL DYSTROPHY, TYPE I. Identifiers: Orphanet 98962, MedGen C1641846, MONDO:0007377, OMIM 121900.

Allele frequency attached by ClinVar (database versions not stated): gnomAD exomes below 0.00001.
gnomAD v4.1: 1 of 1,601,344 alleles (0.000062%); highest among the groups gnomAD compares: South Asian, 0.0011%; no homozygotes.

Submission:

3billion
Classification: Likely pathogenic for Groenouw corneal dystrophy type I. Last evaluated: 2022-01-03. Review status: criteria provided, single submitter. Criteria: ACMG Guidelines, 2015. Collection method: clinical testing. Allele origin: germline. Affected: yes. Observed: 1 heterozygote.
Comment: A different missense change at the same codon has been reported to be associated with TGFBI related disorder (PMID:18332318, PM5_P). The variant is located in a well-established functional domain or exonic hotspot, where pathogenic variants have frequently reported (PM1_M). It is not observed in the gnomAD v2.1.1 dataset (PM2_M).In silico tool predictions suggest damaging effect of the variant on gene or gene product (REVEL: 0.658, PP3_P). A missense variant is a common mechanism associated with Corneal dystrophy (PP2_P). Therefore, this variant is classified as likely pathogenic according to the recommendation of ACMG/AMP guideline.

Literature cited by the submitters: PubMed 18332318.

NM_000358.3(TGFBI):c.1855A>G (p.Met619Val)

Gene: TGFBI (transforming growth factor beta induced; plus strand). Cytogenetic location: 5q31.1.
Variant type: single nucleotide variant.
Coding change: c.1855A>G on transcript NM_000358.3 (MANE Select); coding-DNA position 1855, A replaced by G.
Protein change: p.Met619Val; replaces methionine 619 with valine.
Molecular consequence: missense variant.
Genome position (GRCh38, 1-based): chr5:136,060,885, A>G. VCF-style: chr5-136060885-A-G. GRCh37 (hg19) VCF-style: chr5-135396574-A-G.
Other names: short protein forms M619V.
Identifiers: ClinVar variation 1333310 (VCV001333310.1), dbSNP rs2126917684, ClinGen allele CA361045395.